The following is an entry in ClinVar:

ClinVar aggregate classification (germline): Uncertain significance (1 of 4 stars; one submission).

Conditions:
Autosomal dominant nocturnal frontal lobe epilepsy 4. Also called: EPILEPSY, FAMILIAL, WITH NOCTURNAL WANDERING AND ICTAL FEAR; CHRNA2-Related Nocturnal Frontal Lobe Epilepsy, Autosomal Dominant. Identifiers: Orphanet 98784, MedGen C1835905, MONDO:0012474, OMIM 610353.

Submission:

Centre for Mendelian Genomics, University Medical Centre Ljubljana
Classification: Uncertain significance for Autosomal dominant nocturnal frontal lobe epilepsy 4. Last evaluated: 2019-12-24. Review status: criteria provided, single submitter. Criteria: ACMG Guidelines, 2015. Collection method: clinical testing. Allele origin: unknown. Affected: yes.
Comment: This variant was classified as: Uncertain significance. The available evidence favors the pathogenic nature of this variant, however the currently available data is insufficient to conclusively support its pathogenic nature. Thus this variant is classified as Uncertain significance - favor pathogenic. The following ACMG criteria were applied in classifying this variant: PM2.

NM_000742.4(CHRNA2):c.987_990del (p.Glu330fs)

Gene: CHRNA2 (cholinergic receptor nicotinic alpha 2 subunit; minus strand). Cytogenetic location: 8p21.2.
Variant type: Deletion.
Coding change: c.987_990del on transcript NM_000742.4 (MANE Select); coding-DNA positions 987 to 990, 4 bases deleted (CGAG; older notation c.987_990delCGAG).
Protein change: p.Glu330fs; shifts the reading frame from glutamic acid 330.
Molecular consequence: frameshift variant.
Genome position (GRCh38, 1-based): chr8:27,463,453-27,463,456, CTCG deleted on the plus strand (CGAG on the coding strand, the reverse complement: CHRNA2 is on the minus strand); deleting any 4 consecutive bases within chr8:27,463,453-27,463,457 gives the same sequence; the c. name uses the placement nearest the transcript's 3' end. VCF-style (leftmost placement, unchanged base first): chr8-27463452-ACTCG-A. GRCh37 (hg19) VCF-style: chr8-27320969-ACTCG-A.
Other names: c.942_945del, p.Glu315fs (NM_001282455.2); c.510_513del, p.Glu171fs (NM_001347705.2, NM_001347706.2); c.393_396del, p.Glu132fs (NM_001347707.2, NM_001347708.2); short protein forms E171fs, E330fs, E315fs, E132fs.
Identifiers: ClinVar variation 931191 (VCV000931191.3), dbSNP rs1812583233, ClinGen allele CA1139660412.